The following is an entry in ClinVar:

ClinVar aggregate classification (germline): Conflicting classifications of pathogenicity. Review status: criteria provided, conflicting classifications (1 of 4 stars). 6 submissions from 6 submitters: Uncertain significance (3); Likely benign (2). 1 of the submissions does not count toward it. Last evaluated 2025-10-06.

Conditions:
DNA ligase IV deficiency. Identifiers: Orphanet 99812, MedGen C1847827, MONDO:0011686, OMIM 606593.

Allele frequency attached by ClinVar (database versions not stated): gnomAD 0.00004 and 0.00005; TOPMed 0.00009; ExAC 0.00010; gnomAD exomes 0.00013; ESP Exome Variant Server 0.00023.
gnomAD v4.1: 187 of 1,614,060 alleles (0.012%); highest among the groups gnomAD compares: Middle Eastern, 0.31%; no homozygotes.

Submissions (6):

Mayo Clinic Laboratories, Mayo Clinic
Classification: Likely benign. Last evaluated: 2025-10-06. Review status: criteria provided, single submitter. Criteria: ACMG Guidelines, 2015. Collection method: clinical testing. Allele origin: germline. Observed: 4 variant alleles.
Comment: BP4, BP5

Blueprint Genetics
Classification: Likely benign. Last evaluated: 2024-11-25. Review status: criteria provided, single submitter. Criteria: ACMG Guidelines, 2015. Collection method: clinical testing. Allele origin: germline.

Labcorp Genetics (formerly Invitae), Labcorp
Classification: Uncertain significance for DNA ligase IV deficiency. Last evaluated: 2022-10-17. Review status: criteria provided, single submitter. Criteria: Invitae Variant Classification Sherloc (09022015). Collection method: clinical testing. Allele origin: germline.
Comment: This sequence change replaces serine, which is neutral and polar, with leucine, which is neutral and non-polar, at codon 822 of the LIG4 protein (p.Ser822Leu). This variant is present in population databases (rs141441003, gnomAD 0.02%). This missense change has been observed in individual(s) with immunodeficiency (PMID: 11779494). ClinVar contains an entry for this variant (Variation ID: 435752). Algorithms developed to predict the effect of missense changes on protein structure and function output the following: SIFT: "Tolerated"; PolyPhen-2: "Benign"; Align-GVGD: "Class C0". The leucine amino acid residue is found in multiple mammalian species, which suggests that this missense change does not adversely affect protein function. In summary, the available evidence is currently insufficient to determine the role of this variant in disease. Therefore, it has been classified as a Variant of Uncertain Significance.

Genetic Services Laboratory, University of Chicago
Classification: Uncertain significance. Last evaluated: 2017-02-14. Review status: criteria provided, single submitter. Criteria: ACMG Guidelines, 2015. Collection method: clinical testing. Allele origin: germline. Affected: no.

Breakthrough Genomics
Classification: Uncertain significance. Review status: criteria provided, single submitter. Criteria: ACMG Guidelines, 2015. Collection method: not provided. Allele origin: germline. Inheritance: Autosomal recessive inheritance. Affected: yes.

Service de Génétique Moléculaire, Hôpital Robert Debré
Classification: Likely benign for DNA ligase IV deficiency. Review status: no assertion criteria provided. Collection method: clinical testing. Allele origin: unknown. Affected: yes. Not counted in ClinVar's aggregate classification.

Literature cited by the submitters: PubMed 11779494 (cited by Mayo Clinic Laboratories, Mayo Clinic and Labcorp Genetics (formerly Invitae), Labcorp).

NM_206937.2(LIG4):c.2465C>T (p.Ser822Leu)

Gene: LIG4 (DNA ligase 4; minus strand). Cytogenetic location: 13q33.3.
Variant type: single nucleotide variant.
Coding change: c.2465C>T on transcript NM_206937.2 (MANE Select); coding-DNA position 2465, C replaced by T.
Protein change: p.Ser822Leu; replaces serine 822 with leucine.
Molecular consequence: missense variant.
Genome position (GRCh38, 1-based): chr13:108,208,804, G>A on the plus strand (C>T on the coding strand, the complement: LIG4 is on the minus strand). VCF-style: chr13-108208804-G-A. GRCh37 (hg19) VCF-style: chr13-108861152-G-A.
Other names: p.Ser822Leu; c.2465C>T, p.Ser822Leu (NM_001098268.2, NM_001352598.2, NM_001352599.2 and 6 more transcripts); c.2264C>T, p.Ser755Leu (NM_001330595.2); c.2501C>T, p.Ser834Leu (NM_001352604.2); short protein forms S822L, S834L, S755L.
Identifiers: ClinVar variation 435752 (VCV000435752.15), dbSNP rs141441003, ClinGen allele CA7043490.